The following is an entry in ClinVar:

ClinVar aggregate classification (germline): Pathogenic/Likely pathogenic. Review status: criteria provided, multiple submitters, no conflicts (2 of 4 stars). 3 submissions from 3 submitters: Pathogenic (2); Likely pathogenic (1). Last evaluated 2025-02-24.

Conditions:
Nemaline myopathy. Also called: Myopathies, Nemaline. Identifiers: Orphanet 607, MedGen C0206157, MONDO:0018958.
Nemaline myopathy 2 (NEM2). Also called: Nemaline myopathy 2, autosomal recessive. Identifiers: MedGen C1850569, MONDO:0009725, OMIM 256030.

gnomAD v4.1: 2 of 1,613,314 alleles (0.00012%); highest among the groups gnomAD compares: Non-Finnish European, 0.00017%; no homozygotes.

Submissions (3):

Broad Center for Mendelian Genomics, Broad Institute of MIT and Harvard
Classification: Likely pathogenic for Nemaline myopathy. Last evaluated: 2025-02-24. Review status: criteria provided, single submitter. Criteria: ACMG Guidelines, 2015. Collection method: curation. Allele origin: germline. Inheritance: Autosomal recessive inheritance.
Comment: The p.Gln8445Ter variant in NEB has not been previously reported in the literature in individuals with nemaline myopathy, but has been identified in 0.0002% (2/1179582) of European (non-Finnish) chromosomes by the Genome Aggregation Database (gnomAD; dbSNP ID: rs2152763931). Although this variant has been seen in the general population in a heterozygous state, its frequency is low enough to be consistent with a recessive carrier frequency. This variant has also been reported in ClinVar (Variation ID: 552180) and has been interpreted as pathogenic by Genetics and Molecular Pathology (SA Pathology) and Invitae. This nonsense variant leads to a premature termination codon at position 8445, which is predicted to lead to a truncated or absent protein. Loss of function of the NEB gene is an established disease mechanism in autosomal recessive nemaline myopathy. In summary, although additional studies are required to fully establish its clinical significance, this variant is likely pathogenic for autosomal recessive nemaline myopathy. ACMG/AMP Criteria applied: PVS1, PM2_supporting (Richards 2015).

Labcorp Genetics (formerly Invitae), Labcorp
Classification: Pathogenic for Nemaline myopathy 2. Last evaluated: 2021-11-15. Review status: criteria provided, single submitter. Criteria: Invitae Variant Classification Sherloc (09022015). Collection method: clinical testing. Allele origin: germline.
Comment: For these reasons, this variant has been classified as Pathogenic. This variant has not been reported in the literature in individuals affected with NEB-related conditions. This variant is not present in population databases (gnomAD no frequency). This sequence change creates a premature translational stop signal (p.Gln8480*) in the NEB gene. It is expected to result in an absent or disrupted protein product. Loss-of-function variants in NEB are known to be pathogenic (PMID: 25205138).

Genetics and Molecular Pathology, SA Pathology
Classification: Pathogenic for Nemaline myopathy 2. Last evaluated: 2020-09-07. Review status: criteria provided, single submitter. Criteria: ACMG Guidelines, 2015. Collection method: clinical testing. Allele origin: germline. Affected: yes.
Comment: PVS1, PM2, PM3

Literature cited by the submitters: PubMed 25205138 (cited by Labcorp Genetics (formerly Invitae), Labcorp).

NM_001164508.2(NEB):c.25333C>T (p.Gln8445Ter)

Genes: NEB (nebulin; minus strand), RIF1 (replication timing regulatory factor 1; plus strand). Cytogenetic location: 2q23.3.
Variant type: single nucleotide variant.
Coding change: c.25333C>T on transcript NM_001164508.2 (MANE Select); coding-DNA position 25333, C replaced by T.
Protein change: p.Gln8445Ter; replaces glutamine 8445 with a stop codon.
Molecular consequence: nonsense.
Genome position (GRCh38, 1-based): chr2:151,490,042, G>A on the plus strand (C>T on the coding strand, the complement: NEB is on the minus strand). VCF-style: chr2-151490042-G-A. GRCh37 (hg19) VCF-style: chr2-152346556-G-A.
Other names: NM_001164508.2(NEB):c.25333C>T; p.Gln8445Ter; c.25333C>T, p.Gln8445Ter (NM_001164507.2); c.25438C>T, p.Gln8480Ter (NM_001271208.2); c.19765C>T, p.Gln6589Ter (NM_004543.5); short protein forms Q8480*, Q8445*, Q6589*.
Identifiers: ClinVar variation 1421316 (VCV001421316.9), dbSNP rs2152763931, ClinGen allele CA348770808.